The following is an entry in ClinVar:

ClinVar aggregate classification (germline): Uncertain significance (1 of 4 stars; one submission).

Submission:

GeneDx
Classification: Uncertain significance. Last evaluated: 2024-12-18. Review status: criteria provided, single submitter. Criteria: GeneDx Variant Classification Process June 2021. Collection method: clinical testing. Allele origin: germline. Affected: yes.
Comment: Not observed at significant frequency in large population cohorts (gnomAD); In silico analysis supports that this missense variant has a deleterious effect on protein structure/function; Has not been previously published as pathogenic or benign to our knowledge

NM_020706.2(SCAF4):c.259A>G (p.Arg87Gly)

Gene: SCAF4 (SR-related CTD associated factor 4; minus strand). Cytogenetic location: 21q22.11.
Variant type: single nucleotide variant.
Coding change: c.259A>G on transcript NM_020706.2 (MANE Select); coding-DNA position 259, A replaced by G.
Protein change: p.Arg87Gly; replaces arginine 87 with glycine.
Molecular consequence: missense variant.
Genome position (GRCh38, 1-based): chr21:31,703,827, T>C on the plus strand (A>G on the coding strand, the complement: SCAF4 is on the minus strand). VCF-style: chr21-31703827-T-C. GRCh37 (hg19) VCF-style: chr21-33076140-T-C.
Other names: c.214A>G, p.Arg72Gly (NM_001145444.1); c.259A>G, p.Arg87Gly (NM_001145445.1); short protein forms R72G, R87G.
Identifiers: ClinVar variation 3906754 (VCV003906754.1).